The following is an entry in ClinVar:

NM_053025.4(MYLK):c.5447G>C (p.Arg1816Pro)

Genes: MYLK-AS1 (MYLK antisense RNA 1; plus strand), MYLK (myosin light chain kinase; minus strand). Cytogenetic location: 3q21.1.
Variant type: single nucleotide variant.
Coding change: c.5447G>C on transcript NM_053025.4 (MANE Select); coding-DNA position 5447, G replaced by C.
Protein change: p.Arg1816Pro; replaces arginine 1816 with proline.
Molecular consequence: missense variant.
Genome position (GRCh38, 1-based): chr3:123,618,692, C>G on the plus strand (G>C on the coding strand, the complement: MYLK is on the minus strand). VCF-style: chr3-123618692-C-G. GRCh37 (hg19) VCF-style: chr3-123337539-C-G.
Other names: c.4919G>C, p.Arg1640Pro (NM_001321309.2); c.164G>C, p.Arg55Pro (NM_001438035.1, NM_053031.4); c.5240G>C, p.Arg1747Pro (NM_053026.4); c.5294G>C, p.Arg1765Pro (NM_053027.4); c.5087G>C, p.Arg1696Pro (NM_053028.4); c.167G>C, p.Arg56Pro (NM_053032.4); short protein forms R1640P, R56P, R1747P, R1816P, R1696P, R1765P, R55P.
Identifiers: ClinVar variation 4827352 (VCV004827352.1).

ClinVar aggregate classification (germline): Uncertain significance (1 of 4 stars; one submission).

Conditions:
Familial thoracic aortic aneurysm and aortic dissection (TAAD). Also called: Thoracic aortic aneurysms and dissections. Identifiers: Orphanet 91387, MedGen C4707243, MONDO:0019625.

gnomAD v4.1: 1 of 1,614,028 alleles (0.000062%); highest among the groups gnomAD compares: Non-Finnish European, 0.000085%; no homozygotes.

Submission:

Ambry Genetics
Classification: Uncertain significance for Familial thoracic aortic aneurysm and aortic dissection. Last evaluated: 2026-03-07. Review status: criteria provided, single submitter. Criteria: Ambry Variant Classification Scheme 2023. Collection method: clinical testing. Allele origin: germline.
Comment: The p.R1816P variant (also known as c.5447G>C), located in coding exon 30 of the MYLK gene, results from a G to C substitution at nucleotide position 5447. The arginine at codon 1816 is replaced by proline, an amino acid with dissimilar properties. This amino acid position is conserved. In addition, the in silico prediction for this alteration is inconclusive. Based on the available evidence, the clinical significance of this variant remains unclear.